The following is an entry in ClinVar:

NM_005862.3(STAG1):c.2345A>G (p.Asn782Ser)

Gene: STAG1 (STAG1 cohesin complex component; minus strand). Cytogenetic location: 3q22.3.
Variant type: single nucleotide variant.
Coding change: c.2345A>G on transcript NM_005862.3 (MANE Select); coding-DNA position 2345, A replaced by G.
Protein change: p.Asn782Ser; replaces asparagine 782 with serine.
Molecular consequence: missense variant.
Genome position (GRCh38, 1-based): chr3:136,377,685, T>C on the plus strand (A>G on the coding strand, the complement: STAG1 is on the minus strand). VCF-style: chr3-136377685-T-C. GRCh37 (hg19) VCF-style: chr3-136096527-T-C.
Other names: c.2345A>G (NM_005862.2); short protein forms N782S.
Identifiers: ClinVar variation 3667553 (VCV003667553.3).

ClinVar aggregate classification (germline): Uncertain significance. Review status: criteria provided, multiple submitters, no conflicts (2 of 4 stars). 2 submissions from 2 submitters: Uncertain significance (2). Last evaluated 2025-03-31.

Conditions:
Inborn genetic diseases. Identifiers: MedGen C0950123, MeSH D030342.

gnomAD v4.1: 12 of 1,613,846 alleles (0.00074%); highest among the groups gnomAD compares: African/African-American, 0.0013%; no homozygotes.

Submissions (2):

Ambry Genetics
Classification: Uncertain significance for Inborn genetic diseases. Last evaluated: 2025-03-31. Review status: criteria provided, single submitter. Criteria: Ambry Variant Classification Scheme 2023. Collection method: clinical testing. Allele origin: germline.

Labcorp Genetics (formerly Invitae), Labcorp
Classification: Uncertain significance. Last evaluated: 2025-03-23. Review status: criteria provided, single submitter. Criteria: Invitae Variant Classification Sherloc (09022015). Collection method: clinical testing. Allele origin: germline.
Comment: This sequence change replaces asparagine, which is neutral and polar, with serine, which is neutral and polar, at codon 782 of the STAG1 protein (p.Asn782Ser). This variant is present in population databases (rs776877864, gnomAD 0.002%). This variant has not been reported in the literature in individuals affected with STAG1-related conditions. Invitae Evidence Modeling of protein sequence and biophysical properties (such as structural, functional, and spatial information, amino acid conservation, physicochemical variation, residue mobility, and thermodynamic stability) indicates that this missense variant is not expected to disrupt STAG1 protein function with a negative predictive value of 80%. In summary, the available evidence is currently insufficient to determine the role of this variant in disease. Therefore, it has been classified as a Variant of Uncertain Significance.